The following is an entry in ClinVar:

ClinVar aggregate classification (germline): Likely benign (1 of 4 stars; one submission).

gnomAD v4.1: 163 of 1,614,174 alleles (0.01%); highest among the groups gnomAD compares: African/African-American, 0.2%; 1 homozygote.

Submission:

CeGaT Center for Human Genetics Tuebingen
Classification: Likely benign. Last evaluated: 2025-04-01. Review status: criteria provided, single submitter. Criteria: CeGaT Center For Human Genetics Tuebingen Variant Classification Criteria Version 2. Collection method: clinical testing. Allele origin: germline. Affected: yes. Observed: 1 variant allele.
Comment: CCDC180: BP4

NM_020893.6(CCDC180):c.1881A>C (p.Gln627His)

Genes: CCDC180 (coiled-coil domain containing 180; plus strand), SUGT1P4-STRA6LP-CCDC180 (SUGT1P4-STRA6LP-CCDC180 readthrough; plus strand). Cytogenetic location: 9q22.33.
Variant type: single nucleotide variant.
Coding change: c.1881A>C on transcript NM_020893.6 (MANE Select); coding-DNA position 1881, A replaced by C.
Protein change: p.Gln627His; replaces glutamine 627 with histidine.
Molecular consequence: missense variant. On other transcripts: non-coding transcript variant (3).
Genome position (GRCh38, 1-based): chr9:97,330,374, A>C. VCF-style: chr9-97330374-A-C. GRCh37 (hg19) VCF-style: chr9-100092656-A-C.
Other names: c.1872A>C, p.Gln624His (NM_001348010.4); short protein forms Q624H, Q627H.
Identifiers: ClinVar variation 3898372 (VCV003898372.7).